The following is an entry in ClinVar:

NM_004369.4(COL6A3):c.9116C>T (p.Thr3039Met)

Gene: COL6A3 (collagen type VI alpha 3 chain; minus strand). Cytogenetic location: 2q37.3.
Variant type: single nucleotide variant.
Coding change: c.9116C>T on transcript NM_004369.4 (MANE Select); coding-DNA position 9116, C replaced by T.
Protein change: p.Thr3039Met; replaces threonine 3039 with methionine.
Molecular consequence: missense variant.
Genome position (GRCh38, 1-based): chr2:237,334,739, G>A on the plus strand (C>T on the coding strand, the complement: COL6A3 is on the minus strand). VCF-style: chr2-237334739-G-A. GRCh37 (hg19) VCF-style: chr2-238243382-G-A.
Other names: c.7295C>T, p.Thr2432Met (NM_057166.5); c.8498C>T, p.Thr2833Met (NM_057167.4); short protein forms T3039M, T2432M, T2833M.
Identifiers: ClinVar variation 288613 (VCV000288613.27), dbSNP rs116655315, ClinGen allele CA2187357.

ClinVar aggregate classification (germline): Conflicting classifications of pathogenicity. Review status: criteria provided, conflicting classifications (1 of 4 stars). 8 submissions from 8 submitters: Uncertain significance (6); Benign (1); Likely benign (1). Last evaluated 2025-10-01.

Conditions:
Bethlem myopathy 1C (BTHLM1C). Identifiers: MedGen C5935581, MONDO:0958234, OMIM 620726.
Ullrich congenital muscular dystrophy 1C (UCMD1C). Identifiers: MedGen C5935583, MONDO:0958236, OMIM 620728.
Dystonia 27 (DYT27). Identifiers: Orphanet 464440, MedGen C4225336, MONDO:0014627, OMIM 616411.
Inborn genetic diseases. Identifiers: MedGen C0950123, MeSH D030342.
Collagen 6-related myopathy. Identifiers: MedGen CN117976, MONDO:0100225.
Bethlem myopathy 1A. Also called: MYOPATHY, BENIGN CONGENITAL, WITH CONTRACTURES; Bethlem myopathy 1; Bethlem Muscular Dystrophy. Identifiers: Orphanet 610, MedGen CN029274, MONDO:0024530, OMIM 158810.

Allele frequency attached by ClinVar (database versions not stated): gnomAD 0.00006; gnomAD exomes 0.00008 and 0.00018; TOPMed 0.00013; 1000 Genomes Project 30x 0.00016; ExAC 0.00018; 1000 Genomes Project 0.00020.
gnomAD v4.1: 130 of 1,614,108 alleles (0.0081%); highest among the groups gnomAD compares: Admixed American, 0.035%; no homozygotes.

Submissions (8):

Labcorp Genetics (formerly Invitae), Labcorp
Classification: Likely benign for Bethlem myopathy 1A. Last evaluated: 2025-10-01. Review status: criteria provided, single submitter. Criteria: Invitae Variant Classification Sherloc (09022015). Collection method: clinical testing. Allele origin: germline.

Ambry Genetics
Classification: Uncertain significance for Inborn genetic diseases. Last evaluated: 2024-11-09. Review status: criteria provided, single submitter. Criteria: Ambry Variant Classification Scheme 2023. Collection method: clinical testing. Allele origin: germline.

Blueprint Genetics
Classification: Uncertain significance. Last evaluated: 2024-10-04. Review status: criteria provided, single submitter. Criteria: ACMG Guidelines, 2015. Collection method: clinical testing. Allele origin: germline.

GeneDx
Classification: Uncertain significance. Last evaluated: 2024-06-24. Review status: criteria provided, single submitter. Criteria: GeneDx Variant Classification Process June 2021. Collection method: clinical testing. Allele origin: germline. Affected: yes.
Comment: In silico analysis indicates that this missense variant does not alter protein structure/function; Has not been previously published as pathogenic or benign to our knowledge; This variant is associated with the following publications: (PMID: 30564623)

Fulgent Genetics
Classification: Uncertain significance for Dystonia 27; Bethlem myopathy 1C; Ullrich congenital muscular dystrophy 1C. Last evaluated: 2024-04-04. Review status: criteria provided, single submitter. Criteria: ACMG Guidelines, 2015. Collection method: clinical testing. Allele origin: germline.

Revvity Omics, Revvity
Classification: Uncertain significance. Last evaluated: 2019-08-12. Review status: criteria provided, single submitter. Criteria: ACMG Guidelines, 2015. Collection method: clinical testing. Allele origin: germline.

Illumina Laboratory Services, Illumina
Classification: Benign for Collagen VI-related myopathy. Last evaluated: 2018-01-13. Review status: criteria provided, single submitter. Criteria: ICSL Variant Classification Criteria 13 December 2019. Collection method: clinical testing. Allele origin: germline.
Comment: This variant was observed in the ICSL laboratory as part of a predisposition screen in an ostensibly healthy population. It had not been previously curated by ICSL or reported in the Human Gene Mutation Database (HGMD: prior to June 1st, 2018), and was therefore a candidate for classification through an automated scoring system. Utilizing variant allele frequency, disease prevalence and penetrance estimates, and inheritance mode, an automated score was calculated to assess if this variant is too frequent to cause the disease. Based on the score and internal cut-off values, a variant classified as benign is not then subjected to further curation. The score for this variant resulted in a classification of benign for this disease.

Eurofins Ntd Llc (ga)
Classification: Uncertain significance. Last evaluated: 2017-05-11. Review status: criteria provided, single submitter. Criteria: EGL Classification Definitions 2015. Collection method: clinical testing. Allele origin: germline. Observed: 2 variant alleles, 2 heterozygotes.